The following is an entry in ClinVar:

ClinVar aggregate classification (germline): Uncertain significance (1 of 4 stars; one submission).

Conditions:
Familial adenomatous polyposis 1 (FAP1). Also called: POLYPOSIS, ADENOMATOUS INTESTINAL; FAMILIAL ADENOMATOUS POLYPOSIS 1, ATTENUATED. Identifiers: MedGen C2713442, MONDO:0021056, OMIM 175100. Disease mechanism: loss of function.

Submission:

Labcorp Genetics (formerly Invitae), Labcorp
Classification: Uncertain significance for Familial adenomatous polyposis 1. Last evaluated: 2023-01-15. Review status: criteria provided, single submitter. Criteria: Invitae Variant Classification Sherloc (09022015). Collection method: clinical testing. Allele origin: germline.
Comment: This sequence change replaces histidine, which is basic and polar, with leucine, which is neutral and non-polar, at codon 2554 of the APC protein (p.His2554Leu). This variant is not present in population databases (gnomAD no frequency). This variant has not been reported in the literature in individuals affected with APC-related conditions. Advanced modeling of protein sequence and biophysical properties (such as structural, functional, and spatial information, amino acid conservation, physicochemical variation, residue mobility, and thermodynamic stability) performed at Invitae indicates that this missense variant is not expected to disrupt APC protein function. In summary, the available evidence is currently insufficient to determine the role of this variant in disease. Therefore, it has been classified as a Variant of Uncertain Significance.

NM_000038.6(APC):c.7661A>T (p.His2554Leu)

Gene: APC (APC regulator of Wnt signaling pathway; plus strand). Cytogenetic location: 5q22.2.
Variant type: single nucleotide variant.
Coding change: c.7661A>T on transcript NM_000038.6 (MANE Select); coding-DNA position 7661, A replaced by T.
Protein change: p.His2554Leu; replaces histidine 2554 with leucine.
Molecular consequence: missense variant. On other transcripts: non-coding transcript variant (2).
Genome position (GRCh38, 1-based): chr5:112,843,255, A>T. VCF-style: chr5-112843255-A-T. GRCh37 (hg19) VCF-style: chr5-112178952-A-T.
Other names: c.7661A>T, p.His2554Leu (NM_001127510.3, NM_001354895.2, NM_001407450.1); c.7607A>T, p.His2536Leu (NM_001127511.3); c.7715A>T, p.His2572Leu (NM_001354896.2, NM_001407447.1, NM_001407448.1 and 1 more transcripts); c.7691A>T, p.His2564Leu (NM_001354897.2); c.7586A>T, p.His2529Leu (NM_001354898.2); c.7577A>T, p.His2526Leu (NM_001354899.2); c.7538A>T, p.His2513Leu (NM_001354900.2); c.7484A>T, p.His2495Leu (NM_001354901.2, NM_001407453.1); and 11 more; short protein forms H2170L, H2428L, H2471L, H2495L, H2529L, H2547L, H2564L, H2271L.
Identifiers: ClinVar variation 2826000 (VCV002826000.3), dbSNP rs2149991483, ClinGen allele CA16037977.